The following is an entry in ClinVar:

NM_012144.4(DNAI1):c.81+5del

Gene: DNAI1 (dynein axonemal intermediate chain 1; plus strand). Cytogenetic location: 9p13.3.
Variant type: Deletion.
Coding change: c.81+5del on transcript NM_012144.4 (MANE Select); 5 bases into the intron after coding-DNA position 81, one base deleted (G; older notation c.81+5delG).
Molecular consequence: intron variant.
Genome position (GRCh38, 1-based): chr9:34,483,485, G deleted. VCF-style (leftmost placement, unchanged base first): chr9-34483484-AG-A. GRCh37 (hg19) VCF-style: chr9-34483482-AG-A.
Other names: c.81+5delG (NM_012144.4); c.81+5del (NM_012144.3, NM_001281428.2).
Identifiers: ClinVar variation 95492 (VCV000095492.32), dbSNP rs200411544, ClinGen allele CA184088.

ClinVar aggregate classification (germline): Conflicting classifications of pathogenicity. Review status: criteria provided, conflicting classifications (1 of 4 stars). 10 submissions from 10 submitters: Uncertain significance (1); Benign (6); Likely benign (1). 2 of the submissions do not count toward it. Last evaluated 2026-02-01.

Conditions:
DNAI1-related disorder. Also called: DNAI1-related condition.
Primary ciliary dyskinesia. Also called: Ciliary dyskinesia. Identifiers: Orphanet 244, MedGen C0008780, MONDO:0016575, HP:0012265.
Kartagener syndrome (CILD1). Also called: CILIARY DYSKINESIA, PRIMARY, 1; CILIARY DYSKINESIA, PRIMARY, 1, WITH OR WITHOUT SITUS INVERSUS; IMMOTILE CILIA SYNDROME; POLYNESIAN BRONCHIECTASIS; Dextrocardia bronchiectasis and sinusitis; SIEWERT SYNDROME. Identifiers: Orphanet 244, MedGen C4551906, MONDO:0009484, OMIM 244400.

Allele frequency attached by ClinVar (database versions not stated): ESP Exome Variant Server 0.00024; gnomAD exomes 0.00105 and 0.00431; gnomAD 0.00175 and 0.00189; TOPMed 0.00328; ExAC 0.00347; 1000 Genomes Project 0.00479; 1000 Genomes Project 30x 0.00562.

Submissions (10):

Labcorp Genetics (formerly Invitae), Labcorp
Classification: Benign for Primary ciliary dyskinesia. Last evaluated: 2026-02-01. Review status: criteria provided, single submitter. Criteria: Invitae Variant Classification Sherloc (09022015). Collection method: clinical testing. Allele origin: germline.

Mayo Clinic Laboratories, Mayo Clinic
Classification: Benign. Last evaluated: 2025-01-14. Review status: criteria provided, single submitter. Criteria: ACMG Guidelines, 2015. Collection method: clinical testing. Allele origin: germline. Observed: 2 variant alleles.
Comment: BS1, BS2, PP3

Blueprint Genetics
Classification: Likely benign. Last evaluated: 2024-10-31. Review status: criteria provided, single submitter. Criteria: ACMG Guidelines, 2015. Collection method: clinical testing. Allele origin: germline.

ARUP Laboratories, Molecular Genetics and Genomics, ARUP Laboratories
Classification: Benign for Kartagener syndrome. Last evaluated: 2023-09-13. Review status: criteria provided, single submitter. Criteria: ARUP Molecular Germline Variant Investigation Process 2024. Collection method: clinical testing. Allele origin: germline.

GeneDx
Classification: Benign. Last evaluated: 2020-09-15. Review status: criteria provided, single submitter. Criteria: GeneDx Variant Classification Process June 2021. Collection method: clinical testing. Allele origin: germline. Affected: yes.

Laboratory for Molecular Medicine, Mass General Brigham Personalized Medicine
Classification: Benign. Last evaluated: 2018-05-10. Review status: criteria provided, single submitter. Criteria: LMM Criteria. Collection method: clinical testing. Allele origin: germline. Observed: 2 variant alleles.
Comment: The c.81+5delG variant in DNAI1 is classified as benign because it has been iden tified in 3% (1022/34400) of Latino chromosomes, including 23 homozygotes, by th e Genome Aggregation Database (gnomAD; dbSNP r s200411544). This deletion occurs within the splice site consensus sequence and is predicted to impact splicing by computational prediction tools. ACMG/AMP Crit eria applied: BA1; PP3.

Ambry Genetics
Classification: Benign for Primary ciliary dyskinesia. Last evaluated: 2015-06-03. Review status: criteria provided, single submitter. Criteria: Ambry Variant Classification Scheme 2023. Collection method: clinical testing. Allele origin: germline.

Eurofins Ntd Llc (ga)
Classification: Uncertain significance. Last evaluated: 2013-05-09. Review status: criteria provided, single submitter. Criteria: EGL Classification Definitions 2015. Collection method: clinical testing. Allele origin: germline. Observed: 2 variant alleles, 2 heterozygotes.

PreventionGenetics, part of Exact Sciences
Classification: Benign for DNAI1-related condition. Last evaluated: 2024-05-17. Review status: no assertion criteria provided. Collection method: clinical testing. Allele origin: germline. Not counted in ClinVar's aggregate classification.
Comment: This variant is classified as benign based on ACMG/AMP sequence variant interpretation guidelines (Richards et al. 2015 PMID: 25741868, with internal and published modifications).

Natera, Inc.
Classification: Benign for Primary ciliary dyskinesia. Last evaluated: 2020-09-16. Review status: no assertion criteria provided. Collection method: clinical testing. Allele origin: germline. Not counted in ClinVar's aggregate classification.